The following is an entry in ClinVar:

NM_022726.4(ELOVL4):c.*509C>T

Gene: ELOVL4 (ELOVL fatty acid elongase 4; minus strand). Cytogenetic location: 6q14.1.
Variant type: single nucleotide variant.
Coding change: c.*509C>T on transcript NM_022726.4 (MANE Select); 509 bases downstream of the stop codon, C replaced by T.
Molecular consequence: 3 prime UTR variant.
Genome position (GRCh38, 1-based): chr6:79,916,099, G>A on the plus strand (C>T on the coding strand, the complement: ELOVL4 is on the minus strand). VCF-style: chr6-79916099-G-A. GRCh37 (hg19) VCF-style: chr6-80625816-G-A.
Identifiers: ClinVar variation 358134 (VCV000358134.5), dbSNP rs149410136, ClinGen allele CA10627753.

ClinVar aggregate classification (germline): Benign (1 of 4 stars; one submission).

Conditions:
Stargardt disease 3. Also called: MACULAR DYSTROPHY WITH FLECKS, TYPE 3; STARGARDT-LIKE MACULAR DYSTROPHY, AUTOSOMAL DOMINANT. Identifiers: Orphanet 827, MedGen C1838644, MONDO:0010819, OMIM 600110.

Allele frequency attached by ClinVar (database versions not stated): gnomAD exomes 0.00010; gnomAD 0.00401 and 0.00424; TOPMed 0.00420; 1000 Genomes Project 0.00599; 1000 Genomes Project 30x 0.00640.
gnomAD v4.1: 608 of 162,428 alleles (0.37%); highest among the groups gnomAD compares: African/African-American, 1.4%; 3 homozygotes.

Submission:

Illumina Laboratory Services, Illumina
Classification: Benign for Stargardt disease 3. Last evaluated: 2018-01-13. Review status: criteria provided, single submitter. Criteria: ICSL Variant Classification Criteria 13 December 2019. Collection method: clinical testing. Allele origin: germline.
Comment: This variant was observed in the ICSL laboratory as part of a predisposition screen in an ostensibly healthy population. It had not been previously curated by ICSL or reported in the Human Gene Mutation Database (HGMD: prior to June 1st, 2018), and was therefore a candidate for classification through an automated scoring system. Utilizing variant allele frequency, disease prevalence and penetrance estimates, and inheritance mode, an automated score was calculated to assess if this variant is too frequent to cause the disease. Based on the score and internal cut-off values, a variant classified as benign is not then subjected to further curation. The score for this variant resulted in a classification of benign for this disease.